The following is an entry in ClinVar:

ClinVar aggregate classification (germline): Likely benign. Review status: criteria provided, multiple submitters, no conflicts (2 of 4 stars). 3 submissions from 3 submitters: Likely benign (3). Last evaluated 2026-03-04.

Conditions:
APC-related disorder. Also called: APC-related condition.
Familial adenomatous polyposis 1 (FAP1). Also called: FAMILIAL ADENOMATOUS POLYPOSIS 1, ATTENUATED; POLYPOSIS, ADENOMATOUS INTESTINAL. Identifiers: MedGen C2713442, MONDO:0021056, OMIM 175100. Disease mechanism: loss of function.

Allele frequency attached by ClinVar (database versions not stated): TOPMed 0.00009; 1000 Genomes Project 30x 0.00031.
gnomAD v4.1: 56 of 892,338 alleles (0.0063%); highest among the groups gnomAD compares: Non-Finnish European, 0.0084%; no homozygotes.

Submissions (3):

PreventionGenetics, part of Exact Sciences
Classification: Likely benign for APC-related condition. Last evaluated: 2026-03-04. Review status: criteria provided, single submitter. Criteria: ACMG Guidelines, 2015. Collection method: clinical testing. Allele origin: germline.
Comment: This variant is classified as likely benign based on ACMG/AMP sequence variant interpretation guidelines (Richards et al. 2015 PMID: 25741868, with internal and published modifications).

Labcorp Genetics (formerly Invitae), Labcorp
Classification: Likely benign for Familial adenomatous polyposis 1. Last evaluated: 2026-01-19. Review status: criteria provided, single submitter. Criteria: Invitae Variant Classification Sherloc (09022015). Collection method: clinical testing. Allele origin: germline.

Center for Genomic Medicine, Rigshospitalet, Copenhagen University Hospital
Classification: Likely benign. Last evaluated: 2025-03-04. Review status: criteria provided, single submitter. Criteria: ACMG Guidelines, 2015. Collection method: clinical testing. Allele origin: germline.

NM_001127511.3(APC):c.-140C>A

Gene: APC (APC regulator of Wnt signaling pathway; plus strand). Cytogenetic location: 5q22.2.
Variant type: single nucleotide variant.
Coding change: c.-140C>A on transcript NM_001127511.3; 140 bases upstream of the start codon, C replaced by A.
Molecular consequence: 5 prime UTR variant. On other transcripts: non-coding transcript variant (2).
Genome position (GRCh38, 1-based): chr5:112,707,578, C>A. VCF-style: chr5-112707578-C-A. GRCh37 (hg19) VCF-style: chr5-112043275-C-A.
Other names: c.-323C>A (NM_001354895.2, NM_001407447.1, NM_001407452.1 and 3 more transcripts); c.-140C>A (NM_001354897.2, NM_001354902.2, NM_001407446.1); c.-90C>A (NM_001407448.1, NM_001407450.1, NM_001407457.1 and 1 more transcripts); c.-114C>A (NM_001407453.1); c.-1358C>A (NM_001407470.1, NM_001407472.1).
Identifiers: ClinVar variation 537700 (VCV000537700.16), dbSNP rs775297664, ClinGen allele CA124924920.